The following is an entry in ClinVar:

NM_003366.4(UQCRC2):c.1020dup (p.Ile341fs)

Genes: PDZD9 (PDZ domain containing 9), UQCRC2 (ubiquinol-cytochrome c reductase core protein 2). Cytogenetic location: 16p12.2.
Variant type: Duplication.
Coding change: c.1020dup on transcript NM_003366.4 (MANE Select); coding-DNA position 1020, one base duplicated.
Protein change: p.Ile341fs; shifts the reading frame from isoleucine 341.
Molecular consequence: frameshift variant.
Genome position: GRCh38 VCF-style: chr16-21973948-C-CT. GRCh37 (hg19) VCF-style: chr16-21985269-C-CT.
Other names: short protein forms I341fs.
Identifiers: ClinVar variation 1311711 (VCV001311711.3), dbSNP rs764992858, ClinGen allele CA7953918.
Genomic context (GRCh38, chr16:21,973,948, plus strand): 5'-TCTTTCAGGTTTCTGCATTTAATGCCAGTTACTCAGATTCTGGACTCTTTGGGATTTATA[C>CT]TATCTCCCAGGCCACAGCTGCTGGAGATGTAAGTTGCAAACTCACCAAACTTCTTTCATG-3'

ClinVar aggregate classification (germline): Likely pathogenic (1 of 4 stars; one submission).

Allele frequency attached by ClinVar (database versions not stated): TOPMed below 0.00001; ExAC 0.00001; gnomAD exomes 0.00001.

Submission:

GeneDx
Classification: Likely pathogenic. Last evaluated: 2025-01-29. Review status: criteria provided, single submitter. Criteria: GeneDx Variant Classification Process June 2021. Collection method: clinical testing. Allele origin: germline. Affected: yes.
Comment: Frameshift variant predicted to result in protein truncation or nonsense mediated decay in a gene for which loss of function is a known mechanism of disease; Not observed at a significant frequency in large population cohorts (gnomAD); Has not been previously published as pathogenic or benign to our knowledge